The following is an entry in ClinVar:

NM_007294.4(BRCA1):c.5309_5312dup (p.Phe1772fs)

Gene: BRCA1 (BRCA1 DNA repair associated; minus strand). Cytogenetic location: 17q21.31.
Variant type: Duplication.
Coding change: c.5309_5312dup on transcript NM_007294.4 (MANE Select); coding-DNA positions 5309 to 5312, 4 bases duplicated (GGCC; older notation c.5309_5312dupGGCC).
Protein change: p.Phe1772fs; shifts the reading frame from phenylalanine 1772.
Molecular consequence: frameshift variant. On other transcripts: intron variant (2).
Genome position (GRCh38, 1-based): chr17:43,051,083-43,051,086, GGCC duplicated on the plus strand (GGCC on the coding strand, the reverse complement: BRCA1 is on the minus strand). VCF-style (leftmost placement, unchanged base first): chr17-43051082-G-GGGCC. GRCh37 (hg19) VCF-style: chr17-41203099-G-GGGCC.
Other names: c.1877_1880dup, p.Phe628fs (NM_001408426.1, NM_001408427.1, NM_001408428.1 and 4 more transcripts); c.1874_1877dup, p.Phe627fs (NM_001408432.1, NM_001408433.1, NM_001408434.1 and 10 more transcripts); c.5096_5099dup, p.Phe1701fs (NM_001407571.1, NM_001407909.1, NM_001407910.1 and 12 more transcripts); c.5375_5378dup, p.Phe1794fs (NM_001407581.1, NM_001407582.1); c.5372_5375dup, p.Phe1793fs (NM_001407583.1, NM_001407585.1, NM_001407587.1 and 1 more transcripts); c.5369_5372dup, p.Phe1792fs (NM_001407590.1, NM_001407591.1); c.5309_5312dup, p.Phe1772fs (NM_001407593.1, NM_001407594.1, NM_001407596.1 and 6 more transcripts); c.5306_5309dup, p.Phe1771fs (NM_001407610.1, NM_001407611.1, NM_001407612.1 and 17 more transcripts); and 75 more; short protein forms F1475fs, F1476fs, F1603fs, F1618fs, F1643fs, F1644fs, F1645fs, F1659fs.
Identifiers: ClinVar variation 2583818 (VCV002583818.2), dbSNP rs2547525655, ClinGen allele CA2582342185.

ClinVar aggregate classification (germline): Pathogenic (1 of 4 stars; one submission).

Conditions:
Breast-ovarian cancer, familial, susceptibility to, 1 (BROVCA1). Also called: BRCA1 Hereditary Breast and Ovarian Cancer; OVARIAN CANCER, SUSCEPTIBILITY TO. Identifiers: Orphanet 145, MedGen C2676676, MONDO:0011450, OMIM 604370. Disease mechanism: loss of function.

Submission:

Myriad Genetics, Inc.
Classification: Pathogenic for Breast-ovarian cancer, familial, susceptibility to, 1. Last evaluated: 2023-05-08. Review status: criteria provided, single submitter. Criteria: Myriad Autosomal Dominant, Autosomal Recessive and X-Linked Classification Criteria (2023). Collection method: clinical testing. Allele origin: unknown.
Comment: This variant is considered pathogenic. This variant creates a frameshift predicted to result in premature protein truncation.